The following is an entry in ClinVar:

ClinVar aggregate classification (germline): Uncertain significance. Review status: criteria provided, multiple submitters, no conflicts (2 of 4 stars). 3 submissions from 3 submitters: Uncertain significance (3). Last evaluated 2025-08-26.

Conditions:
Familial episodic pain syndrome with predominantly lower limb involvement. Also called: Episodic pain syndrome, familial, 3. Identifiers: Orphanet 391384, Orphanet 391392, MedGen C3809899, MONDO:0014247, OMIM 615552.
Hereditary sensory and autonomic neuropathy type 7. Also called: Neuropathy, hereditary sensory and autonomic, type VII; HSAN VII. Identifiers: Orphanet 391397, MedGen C3809882, MONDO:0014244, OMIM 615548.
Inborn genetic diseases. Identifiers: MedGen C0950123, MeSH D030342.

Allele frequency attached by ClinVar (database versions not stated): TOPMed 0.00001.
gnomAD v4.1: 18 of 1,614,050 alleles (0.0011%); highest among the groups gnomAD compares: Admixed American, 0.0067%; no homozygotes.

Submissions (3):

Labcorp Genetics (formerly Invitae), Labcorp
Classification: Uncertain significance for Familial episodic pain syndrome with predominantly lower limb involvement; Hereditary sensory and autonomic neuropathy type 7. Last evaluated: 2025-08-26. Review status: criteria provided, single submitter. Criteria: Invitae Variant Classification Sherloc (09022015). Collection method: clinical testing. Allele origin: germline.
Comment: This sequence change replaces serine, which is neutral and polar, with leucine, which is neutral and non-polar, at codon 285 of the SCN11A protein (p.Ser285Leu). This variant is present in population databases (rs765170928, gnomAD 0.003%). This variant has not been reported in the literature in individuals affected with SCN11A-related conditions. ClinVar contains an entry for this variant (Variation ID: 648412). Invitae Evidence Modeling of protein sequence and biophysical properties (such as structural, functional, and spatial information, amino acid conservation, physicochemical variation, residue mobility, and thermodynamic stability) indicates that this missense variant is not expected to disrupt SCN11A protein function with a negative predictive value of 80%. In summary, the available evidence is currently insufficient to determine the role of this variant in disease. Therefore, it has been classified as a Variant of Uncertain Significance.

Ambry Genetics
Classification: Uncertain significance for Inborn genetic diseases. Last evaluated: 2025-03-18. Review status: criteria provided, single submitter. Criteria: Ambry Variant Classification Scheme 2023. Collection method: clinical testing. Allele origin: germline.

Breakthrough Genomics
Classification: Uncertain significance. Review status: criteria provided, single submitter. Criteria: ACMG Guidelines, 2015. Collection method: not provided. Allele origin: germline. Inheritance: Autosomal dominant inheritance. Affected: yes.

NM_001349253.2(SCN11A):c.854C>T (p.Ser285Leu)

Gene: SCN11A (sodium voltage-gated channel alpha subunit 11; minus strand). Cytogenetic location: 3p22.2.
Variant type: single nucleotide variant.
Coding change: c.854C>T on transcript NM_001349253.2 (MANE Select); coding-DNA position 854, C replaced by T.
Protein change: p.Ser285Leu; replaces serine 285 with leucine.
Molecular consequence: missense variant.
Genome position (GRCh38, 1-based): chr3:38,921,114, G>A on the plus strand (C>T on the coding strand, the complement: SCN11A is on the minus strand). VCF-style: chr3-38921114-G-A. GRCh37 (hg19) VCF-style: chr3-38962605-G-A.
Other names: c.854C>T, p.Ser285Leu (NM_014139.3); short protein forms S285L.
Identifiers: ClinVar variation 648412 (VCV000648412.7), dbSNP rs765170928, ClinGen allele CA72970756.